The following is an entry in ClinVar:

NM_025099.6(CTC1):c.702T>G (p.Ser234Arg)

Gene: CTC1 (CST telomere replication complex component 1; minus strand). Cytogenetic location: 17p13.1.
Variant type: single nucleotide variant.
Coding change: c.702T>G on transcript NM_025099.6 (MANE Select); coding-DNA position 702, T replaced by G.
Protein change: p.Ser234Arg; replaces serine 234 with arginine.
Molecular consequence: missense variant.
Genome position (GRCh38, 1-based): chr17:8,237,465, A>C on the plus strand (T>G on the coding strand, the complement: CTC1 is on the minus strand). VCF-style: chr17-8237465-A-C. GRCh37 (hg19) VCF-style: chr17-8140783-A-C.
Other names: c.702T>G, p.Ser234Arg (NM_001411067.1); short protein forms S234R.
Identifiers: ClinVar variation 2891273 (VCV002891273.3), dbSNP rs2507940683, ClinGen allele CA397991746.

ClinVar aggregate classification (germline): Uncertain significance (1 of 4 stars; one submission).

Conditions:
Dyskeratosis congenita. Identifiers: Orphanet 1775, MedGen C0265965, MONDO:0015780.

Submission:

Labcorp Genetics (formerly Invitae), Labcorp
Classification: Uncertain significance for Dyskeratosis congenita. Last evaluated: 2023-09-11. Review status: criteria provided, single submitter. Criteria: Invitae Variant Classification Sherloc (09022015). Collection method: clinical testing. Allele origin: germline.
Comment: This sequence change replaces serine, which is neutral and polar, with arginine, which is basic and polar, at codon 234 of the CTC1 protein (p.Ser234Arg). This variant is not present in population databases (gnomAD no frequency). This variant has not been reported in the literature in individuals affected with CTC1-related conditions. Advanced modeling of protein sequence and biophysical properties (such as structural, functional, and spatial information, amino acid conservation, physicochemical variation, residue mobility, and thermodynamic stability) performed at Invitae indicates that this missense variant is expected to disrupt CTC1 protein function. In summary, the available evidence is currently insufficient to determine the role of this variant in disease. Therefore, it has been classified as a Variant of Uncertain Significance.